The following is an entry in ClinVar:

ClinVar aggregate classification (germline): Uncertain significance. Review status: criteria provided, multiple submitters, no conflicts (2 of 4 stars). 2 submissions from 2 submitters: Uncertain significance (2). Last evaluated 2026-01-19.

Conditions:
Hereditary hemorrhagic telangiectasia (HHT). Also called: ORW DISEASE; Osler Weber Rendu syndrome; OSLER-RENDU-WEBER DISEASE; Osler hemorrhagic telangiectasia syndrome. Identifiers: Orphanet 774, MedGen C0039445, MONDO:0019180. Disease mechanism: loss of function.
Cardiovascular phenotype. Identifiers: MedGen CN230736.

Allele frequency attached by ClinVar (database versions not stated): gnomAD exomes below 0.00001; TOPMed below 0.00001.
gnomAD v4.1: 5 of 1,611,266 alleles (0.00031%); highest among the groups gnomAD compares: Non-Finnish European, 0.00042%; no homozygotes.

Submissions (2):

Ambry Genetics
Classification: Uncertain significance for Cardiovascular phenotype. Last evaluated: 2026-01-19. Review status: criteria provided, single submitter. Criteria: Ambry Variant Classification Scheme 2023. Collection method: clinical testing. Allele origin: germline.
Comment: The p.N307D variant (also known as c.919A>G), located in coding exon 7 of the ENG gene, results from an A to G substitution at nucleotide position 919. The asparagine at codon 307 is replaced by aspartic acid, an amino acid with highly similar properties. This amino acid position is conserved. In addition, this alteration is predicted to be tolerated by in silico analysis. Based on the available evidence, the clinical significance of this variant remains unclear.

Labcorp Genetics (formerly Invitae), Labcorp
Classification: Uncertain significance for Hereditary hemorrhagic telangiectasia. Last evaluated: 2024-03-04. Review status: criteria provided, single submitter. Criteria: Invitae Variant Classification Sherloc (09022015). Collection method: clinical testing. Allele origin: germline.
Comment: This sequence change replaces asparagine, which is neutral and polar, with aspartic acid, which is acidic and polar, at codon 307 of the ENG protein (p.Asn307Asp). This variant is not present in population databases (gnomAD no frequency). This variant has not been reported in the literature in individuals affected with ENG-related conditions. ClinVar contains an entry for this variant (Variation ID: 1428886). Advanced modeling of protein sequence and biophysical properties (such as structural, functional, and spatial information, amino acid conservation, physicochemical variation, residue mobility, and thermodynamic stability) has been performed at Invitae for this missense variant, however the output from this modeling did not meet the statistical confidence thresholds required to predict the impact of this variant on ENG protein function. In summary, the available evidence is currently insufficient to determine the role of this variant in disease. Therefore, it has been classified as a Variant of Uncertain Significance.

NM_001114753.3(ENG):c.919A>G (p.Asn307Asp)

Gene: ENG (endoglin; minus strand). Cytogenetic location: 9q34.11.
Variant type: single nucleotide variant.
Coding change: c.919A>G on transcript NM_001114753.3 (MANE Select); coding-DNA position 919, A replaced by G.
Protein change: p.Asn307Asp; replaces asparagine 307 with aspartic acid.
Molecular consequence: missense variant.
Genome position (GRCh38, 1-based): chr9:127,824,872, T>C on the plus strand (A>G on the coding strand, the complement: ENG is on the minus strand). VCF-style: chr9-127824872-T-C. GRCh37 (hg19) VCF-style: chr9-130587151-T-C.
Other names: c.919A>G (NM_001114753.1); c.919A>G, p.Asn307Asp (NM_000118.4, NM_001406715.1); c.373A>G, p.Asn125Asp (NM_001278138.2); short protein forms N125D, N307D.
Identifiers: ClinVar variation 1428886 (VCV001428886.10), dbSNP rs1830568253, ClinGen allele CA374982307.